The following is an entry in ClinVar:

ClinVar aggregate classification (germline): Likely benign (1 of 4 stars; one submission).

Allele frequency attached by ClinVar (database versions not stated): gnomAD exomes 0.00007; ESP Exome Variant Server 0.00008; ExAC 0.00012; gnomAD 0.00013; TOPMed 0.00016.
gnomAD v4.1: 140 of 1,613,414 alleles (0.0087%); highest among the groups gnomAD compares: Admixed American, 0.0083%; no homozygotes.

Submission:

CeGaT Center for Human Genetics Tuebingen
Classification: Likely benign. Last evaluated: 2025-11-01. Review status: criteria provided, single submitter. Criteria: CeGaT Center For Human Genetics Tuebingen Variant Classification Criteria Version 2. Collection method: clinical testing. Allele origin: germline. Affected: yes. Observed: 4 variant alleles.
Comment: ZNF292: BP4, BP7

NM_015021.3(ZNF292):c.2919A>G (p.Pro973=)

Gene: ZNF292 (zinc finger protein 292; plus strand). Cytogenetic location: 6q14.3.
Variant type: single nucleotide variant.
Coding change: c.2919A>G on transcript NM_015021.3 (MANE Select); coding-DNA position 2919, A replaced by G.
Protein change: p.Pro973=; no amino-acid change (proline 973 retained).
Molecular consequence: synonymous variant.
Genome position (GRCh38, 1-based): chr6:87,256,548, A>G. VCF-style: chr6-87256548-A-G. GRCh37 (hg19) VCF-style: chr6-87966266-A-G.
Other names: c.2499A>G, p.Pro833= (NM_001351444.2).
Identifiers: ClinVar variation 2656740 (VCV002656740.24), dbSNP rs372245966, ClinGen allele CA3914030.